The following is an entry in ClinVar:

NM_001206999.2(CIT):c.5506G>A (p.Ala1836Thr)

Gene: CIT (citron rho-interacting serine/threonine kinase; minus strand). Cytogenetic location: 12q24.23.
Variant type: single nucleotide variant.
Coding change: c.5506G>A on transcript NM_001206999.2 (MANE Select); coding-DNA position 5506, G replaced by A.
Protein change: p.Ala1836Thr; replaces alanine 1836 with threonine.
Molecular consequence: missense variant.
Genome position (GRCh38, 1-based): chr12:119,701,660, C>T on the plus strand (G>A on the coding strand, the complement: CIT is on the minus strand). VCF-style: chr12-119701660-C-T. GRCh37 (hg19) VCF-style: chr12-120139465-C-T.
Other names: c.5380G>A, p.Ala1794Thr (NM_007174.3); short protein forms A1794T, A1836T.
Identifiers: ClinVar variation 791323 (VCV000791323.19), dbSNP rs149158991, ClinGen allele CA6820854.

ClinVar aggregate classification (germline): Likely benign. Review status: criteria provided, multiple submitters, no conflicts (2 of 4 stars). 7 submissions from 7 submitters: Likely benign (6). 1 of the submissions does not count toward it. Last evaluated 2026-07-01.

Conditions:
CIT-related disorder. Also called: CIT-related condition.
Inborn genetic diseases. Identifiers: MedGen C0950123, MeSH D030342.

Allele frequency attached by ClinVar (database versions not stated): 1000 Genomes Project 30x 0.00172; 1000 Genomes Project 0.00180; gnomAD 0.00198 and 0.00207; TOPMed 0.00202; ESP Exome Variant Server 0.00169.
gnomAD v4.1: 886 of 1,614,188 alleles (0.055%); highest among the groups gnomAD compares: African/African-American, 0.57%; 2 homozygotes.

Submissions (7):

CeGaT Center for Human Genetics Tuebingen
Classification: Likely benign. Last evaluated: 2026-07-01. Review status: criteria provided, single submitter. Criteria: CeGaT Center For Human Genetics Tuebingen Variant Classification Criteria Version 2. Collection method: clinical testing. Allele origin: germline. Affected: yes. Observed: 1 variant allele.
Comment: CIT: BP4

Labcorp Genetics (formerly Invitae), Labcorp
Classification: Likely benign. Last evaluated: 2026-01-27. Review status: criteria provided, single submitter. Criteria: Invitae Variant Classification Sherloc (09022015). Collection method: clinical testing. Allele origin: germline.

Blueprint Genetics
Classification: Likely benign. Last evaluated: 2024-11-27. Review status: criteria provided, single submitter. Criteria: ACMG Guidelines, 2015. Collection method: clinical testing. Allele origin: germline.

Ambry Genetics
Classification: Likely benign for Inborn genetic diseases. Last evaluated: 2023-03-23. Review status: criteria provided, single submitter. Criteria: Ambry Variant Classification Scheme 2023. Collection method: clinical testing. Allele origin: germline.

GeneDx
Classification: Likely benign. Last evaluated: 2020-02-07. Review status: criteria provided, single submitter. Criteria: GeneDx Variant Classification Process June 2021. Collection method: clinical testing. Allele origin: germline. Affected: yes.

Genetic Services Laboratory, University of Chicago
Classification: Likely benign. Last evaluated: 2019-05-21. Review status: criteria provided, single submitter. Criteria: ACMG Guidelines, 2015. Collection method: clinical testing. Allele origin: germline. Affected: no.

PreventionGenetics, part of Exact Sciences
Classification: Likely benign for CIT-related condition. Last evaluated: 2020-03-10. Review status: no assertion criteria provided. Collection method: clinical testing. Allele origin: germline. Not counted in ClinVar's aggregate classification.
Comment: This variant is classified as likely benign based on ACMG/AMP sequence variant interpretation guidelines (Richards et al. 2015 PMID: 25741868, with internal and published modifications).